The following is an entry in ClinVar:

NM_001272005.2(OTOP3):c.1611C>T (p.Asn537=)

Gene: OTOP3 (otopetrin 3; plus strand). Cytogenetic location: 17q25.1.
Variant type: single nucleotide variant.
Coding change: c.1611C>T on transcript NM_001272005.2 (MANE Select); coding-DNA position 1611, C replaced by T.
Protein change: p.Asn537=; no amino-acid change (asparagine 537 retained).
Molecular consequence: synonymous variant.
Genome position (GRCh38, 1-based): chr17:74,949,290, C>T. VCF-style: chr17-74949290-C-T. GRCh37 (hg19) VCF-style: chr17-72945385-C-T.
Other names: c.1665C>T, p.Asn555= (NM_178233.2).
Identifiers: ClinVar variation 2648246 (VCV002648246.24), dbSNP rs78826886, ClinGen allele CA8755256.

ClinVar aggregate classification (germline): Likely benign (1 of 4 stars; one submission).

Allele frequency attached by ClinVar (database versions not stated): 1000 Genomes Project 30x 0.00047; 1000 Genomes Project 0.00060; TOPMed 0.00127; ESP Exome Variant Server 0.00138; gnomAD exomes 0.00204; gnomAD 0.00246; ExAC 0.00280.
gnomAD v4.1: 3,339 of 1,614,056 alleles (0.21%); highest among the groups gnomAD compares: Non-Finnish European, 0.19%; 17 homozygotes.

Submission:

CeGaT Center for Human Genetics Tuebingen
Classification: Likely benign. Last evaluated: 2023-01-01. Review status: criteria provided, single submitter. Criteria: CeGaT Center For Human Genetics Tuebingen Variant Classification Criteria Version 2. Collection method: clinical testing. Allele origin: germline. Affected: yes. Observed: 1 variant allele.
Comment: OTOP3: BP4, BP7